The following is an entry in ClinVar:

ClinVar aggregate classification (germline): Benign/Likely benign. Review status: criteria provided, multiple submitters, no conflicts (2 of 4 stars). 5 submissions from 5 submitters: Benign (1); Likely benign (3). 1 of the submissions does not count toward it. Last evaluated 2025-12-03.

Conditions:
Congenital hyperammonemia, type I. Also called: CPS I DEFICIENCY; Carbamoyl phosphate synthetase 1 deficiency; Hyperammonemia due to carbamoyl phosphate synthetase 1 deficiency; CPS 1 deficiency; Carbamyl phosphate synthetase (CPS) deficiency; Carbamoyl-phosphate synthase I deficiency. Identifiers: Orphanet 147, MedGen C4082171, MONDO:0009376, OMIM 237300.
CPS1-related disorder. Also called: CPS1-related condition.

Allele frequency attached by ClinVar (database versions not stated): gnomAD exomes 0.00003 and 0.00008; ExAC 0.00012; gnomAD 0.00023 and 0.00024; TOPMed 0.00025; 1000 Genomes Project 30x 0.00031; ESP Exome Variant Server 0.00031; 1000 Genomes Project 0.00040.
gnomAD v4.1: 77 of 1,611,268 alleles (0.0048%); highest among the groups gnomAD compares: African/African-American, 0.092%; 1 homozygote.

Submissions (5):

Labcorp Genetics (formerly Invitae), Labcorp
Classification: Benign for Congenital hyperammonemia, type I. Last evaluated: 2025-12-03. Review status: criteria provided, single submitter. Criteria: Invitae Variant Classification Sherloc (09022015). Collection method: clinical testing. Allele origin: germline.

PreventionGenetics, part of Exact Sciences
Classification: Likely benign for CPS1-related condition. Last evaluated: 2025-08-04. Review status: criteria provided, single submitter. Criteria: ACMG Guidelines, 2015. Collection method: clinical testing. Allele origin: germline.
Comment: This variant is classified as likely benign based on ACMG/AMP sequence variant interpretation guidelines (Richards et al. 2015 PMID: 25741868, with internal and published modifications).

Women's Health and Genetics/Laboratory Corporation of America, LabCorp
Classification: Likely benign. Last evaluated: 2025-07-09. Review status: criteria provided, single submitter. Criteria: LabCorp Variant Classification Summary - May 2015. Collection method: clinical testing. Allele origin: germline.

GeneDx
Classification: Likely benign. Last evaluated: 2018-04-23. Review status: criteria provided, single submitter. Criteria: GeneDx Variant Classification (06012015). Collection method: clinical testing. Allele origin: germline. Affected: yes.
Comment: This variant is considered likely benign or benign based on one or more of the following criteria: it is a conservative change, it occurs at a poorly conserved position in the protein, it is predicted to be benign by multiple in silico algorithms, and/or has population frequency not consistent with disease.

Natera, Inc.
Classification: Likely benign for Carbamoyl-phosphate synthase I deficiency. Last evaluated: 2020-05-02. Review status: no assertion criteria provided. Collection method: clinical testing. Allele origin: germline. Not counted in ClinVar's aggregate classification.

NM_001875.5(CPS1):c.1200A>G (p.Lys400=)

Gene: CPS1 (carbamoyl-phosphate synthase 1; plus strand). Cytogenetic location: 2q34.
Variant type: single nucleotide variant.
Coding change: c.1200A>G on transcript NM_001875.5 (MANE Select); coding-DNA position 1200, A replaced by G.
Protein change: p.Lys400=; no amino-acid change (lysine 400 retained).
Molecular consequence: synonymous variant. On other transcripts: non-coding transcript variant (2).
Genome position (GRCh38, 1-based): chr2:210,594,543, A>G. VCF-style: chr2-210594543-A-G. GRCh37 (hg19) VCF-style: chr2-211459267-A-G.
Other names: c.1200A>G, p.Lys400= (NM_001122633.3, NM_001369257.1); c.1233A>G, p.Lys411= (NM_001369256.1).
Identifiers: ClinVar variation 682114 (VCV000682114.16), dbSNP rs141545954, ClinGen allele CA2086299.
Genomic context (GRCh38, chr2:210,594,543, plus strand): 5'-ACTAGTTGGTTGTATTTTTTTCTAGTACCTGTTTGATTCCTTTTTCTCACTGATAAAGAA[A>G]GGAAAAGCTACCACCATTACATCAGTCTTACCGAAGCCAGCACTAGTTGCATCTCGGGTT-3'
Protein context (NP_001866.2, residues 390-410): LFDSFFSLIK[Lys400=]GKATTITSVL